The following is an entry in ClinVar:

NM_001378418.1(TCF20):c.2552_2553inv (p.Ser851Leu)

Gene: TCF20 (transcription factor 20; minus strand). Cytogenetic location: 22q13.2.
Variant type: Inversion.
Coding change: c.2552_2553inv on transcript NM_001378418.1 (MANE Select).
Protein change: p.Ser851Leu; replaces serine 851 with leucine.
Molecular consequence: missense variant.
Genome position: GRCh38 VCF-style: chr22-42212753-TG-CA. GRCh37 (hg19) VCF-style: chr22-42608759-TG-CA.
Other names: c.2552_2553inv, p.Ser851Leu (NM_005650.4, NM_181492.3); short protein forms S851L.
Identifiers: ClinVar variation 3343022 (VCV003343022.1).
Genomic context (GRCh38, chr22:42,212,753, plus strand): 5'-AGAAATATCACAGATCACTGATCTTCTTTCAGAGAGGGAACCCCCAGGCTCATGTGCTGA[TG>CA]ACTGAGGCTCTATTTCAAACTTTCTGGGAATTGGATAGTCAGTCAAATTGATCTGTTTCA-3'
Protein context (NP_001365347.1, residues 841-861): IPRKFEIEPQ[Ser851Leu]SAHEPGGSLS

ClinVar aggregate classification (germline): Uncertain significance (1 of 4 stars; one submission).

Submission:

GeneDx
Classification: Uncertain significance. Last evaluated: 2023-04-07. Review status: criteria provided, single submitter. Criteria: GeneDx Variant Classification Process June 2021. Collection method: clinical testing. Allele origin: germline. Affected: yes.
Comment: Not observed at significant frequency in large population cohorts (gnomAD); In silico analysis supports that this variant does not alter protein structure/function; Has not been previously published as pathogenic or benign to our knowledge